The following is an entry in ClinVar:

NM_001378452.1(ITPR1):c.6365A>T (p.Tyr2122Phe)

Gene: ITPR1 (inositol 1,4,5-trisphosphate receptor type 1; plus strand). Cytogenetic location: 3p26.1.
Variant type: single nucleotide variant.
Coding change: c.6365A>T on transcript NM_001378452.1 (MANE Select); coding-DNA position 6365, A replaced by T.
Protein change: p.Tyr2122Phe; replaces tyrosine 2122 with phenylalanine.
Molecular consequence: missense variant.
Genome position (GRCh38, 1-based): chr3:4,779,623, A>T. VCF-style: chr3-4779623-A-T. GRCh37 (hg19) VCF-style: chr3-4821307-A-T.
Other names: c.6221A>T, p.Tyr2074Phe (NM_001099952.4); c.6320A>T, p.Tyr2107Phe (NM_001168272.2); c.6176A>T, p.Tyr2059Phe (NM_002222.7); short protein forms Y2107F, Y2074F, Y2059F, Y2122F.
Identifiers: ClinVar variation 2768012 (VCV002768012.3), dbSNP rs770000741, ClinGen allele CA351638406.

ClinVar aggregate classification (germline): Uncertain significance (1 of 4 stars; one submission).

Submission:

Labcorp Genetics (formerly Invitae), Labcorp
Classification: Uncertain significance. Last evaluated: 2023-10-13. Review status: criteria provided, single submitter. Criteria: Invitae Variant Classification Sherloc (09022015). Collection method: clinical testing. Allele origin: germline.
Comment: This sequence change replaces tyrosine, which is neutral and polar, with phenylalanine, which is neutral and non-polar, at codon 2059 of the ITPR1 protein (p.Tyr2059Phe). This variant is not present in population databases (gnomAD no frequency). This variant has not been reported in the literature in individuals affected with ITPR1-related conditions. Advanced modeling of protein sequence and biophysical properties (such as structural, functional, and spatial information, amino acid conservation, physicochemical variation, residue mobility, and thermodynamic stability) performed at Invitae indicates that this missense variant is not expected to disrupt ITPR1 protein function. In summary, the available evidence is currently insufficient to determine the role of this variant in disease. Therefore, it has been classified as a Variant of Uncertain Significance.